The following is an entry in ClinVar:

NM_001035.3(RYR2):c.7220A>G (p.His2407Arg)

Gene: RYR2 (ryanodine receptor 2; plus strand). Cytogenetic location: 1q43.
Variant type: single nucleotide variant.
Coding change: c.7220A>G on transcript NM_001035.3 (MANE Select); coding-DNA position 7220, A replaced by G.
Protein change: p.His2407Arg; replaces histidine 2407 with arginine.
Molecular consequence: missense variant.
Genome position (GRCh38, 1-based): chr1:237,641,001, A>G. VCF-style: chr1-237641001-A-G. GRCh37 (hg19) VCF-style: chr1-237804301-A-G.
Other names: short protein forms H2407R.
Identifiers: ClinVar variation 3436565 (VCV003436565.1).

ClinVar aggregate classification (germline): Uncertain significance (1 of 4 stars; one submission).

Conditions:
Cardiovascular phenotype. Identifiers: MedGen CN230736.

Submission:

Ambry Genetics
Classification: Uncertain significance for Cardiovascular phenotype. Last evaluated: 2024-07-16. Review status: criteria provided, single submitter. Criteria: Ambry Variant Classification Scheme 2023. Collection method: clinical testing. Allele origin: germline.
Comment: The p.H2407R variant (also known as c.7220A>G), located in coding exon 47 of the RYR2 gene, results from an A to G substitution at nucleotide position 7220. The histidine at codon 2407 is replaced by arginine, an amino acid with highly similar properties. This amino acid position is highly conserved in available vertebrate species. In addition, this alteration is predicted to be deleterious by in silico analysis. Based on the available evidence, the clinical significance of this variant remains unclear.